The following is an entry in ClinVar:

ClinVar aggregate classification (germline): Benign. Review status: criteria provided, multiple submitters, no conflicts (2 of 4 stars). 4 submissions from 4 submitters: Benign (3). 1 of the submissions does not count toward it. Last evaluated 2026-02-01.

Conditions:
MYORG-related disorder. Also called: MYORG-related condition.

Allele frequency attached by ClinVar (database versions not stated): 1000 Genomes Project 30x 0.01405; 1000 Genomes Project 0.01458; TOPMed 0.02368; ESP Exome Variant Server 0.02554; gnomAD 0.02882 and 0.02995; gnomAD exomes 0.02971 and 0.03546; ExAC 0.04136.
gnomAD v4.1: 55,420 of 1,598,822 alleles (3.5%); highest among the groups gnomAD compares: Non-Finnish European, 3.9%; 1,176 homozygotes.

Submissions (4):

Labcorp Genetics (formerly Invitae), Labcorp
Classification: Benign. Last evaluated: 2026-02-01. Review status: criteria provided, single submitter. Criteria: Invitae Variant Classification Sherloc (09022015). Collection method: clinical testing. Allele origin: germline.

GeneDx
Classification: Benign. Last evaluated: 2021-05-04. Review status: criteria provided, single submitter. Criteria: GeneDx Variant Classification Process June 2021. Collection method: clinical testing. Allele origin: germline. Affected: yes.

Breakthrough Genomics
Classification: Benign. Review status: criteria provided, single submitter. Criteria: ACMG Guidelines, 2015. Collection method: not provided. Allele origin: germline. Inheritance: Autosomal recessive inheritance. Affected: yes.

PreventionGenetics, part of Exact Sciences
Classification: Benign for MYORG-related condition. Last evaluated: 2020-02-07. Review status: no assertion criteria provided. Collection method: clinical testing. Allele origin: germline. Not counted in ClinVar's aggregate classification.
Comment: This variant is classified as benign based on ACMG/AMP sequence variant interpretation guidelines (Richards et al. 2015 PMID: 25741868, with internal and published modifications).

NM_020702.5(MYORG):c.595C>A (p.Arg199Ser)

Gene: MYORG (myogenesis regulating glycosidase; minus strand). Cytogenetic location: 9p13.3.
Variant type: single nucleotide variant.
Coding change: c.595C>A on transcript NM_020702.5 (MANE Select); coding-DNA position 595, C replaced by A.
Protein change: p.Arg199Ser; replaces arginine 199 with serine.
Molecular consequence: missense variant.
Genome position (GRCh38, 1-based): chr9:34,372,349, G>T on the plus strand (C>A on the coding strand, the complement: MYORG is on the minus strand). VCF-style: chr9-34372349-G-T. GRCh37 (hg19) VCF-style: chr9-34372347-G-T.
Other names: short protein forms R199S.
Identifiers: ClinVar variation 1164440 (VCV001164440.14), dbSNP rs12377, ClinGen allele CA5033113.